The following is an entry in ClinVar:

NM_000135.4(FANCA):c.190-1G>T

Gene: FANCA (FA complementation group A; minus strand). Cytogenetic location: 16q24.3.
Variant type: single nucleotide variant.
Coding change: c.190-1G>T on transcript NM_000135.4 (MANE Select); the canonical splice acceptor site of the intron before coding-DNA position 190, G replaced by T.
Molecular consequence: splice acceptor variant.
Genome position (GRCh38, 1-based): chr16:89,814,614, C>A on the plus strand (G>T on the coding strand, the complement: FANCA is on the minus strand). VCF-style: chr16-89814614-C-A. GRCh37 (hg19) VCF-style: chr16-89881022-C-A.
Other names: c.190-1G>T (NM_001286167.3, NM_001351830.2, NM_001018112.3).
Identifiers: ClinVar variation 550259 (VCV000550259.12), dbSNP rs765277254, ClinGen allele CA397482661.

ClinVar aggregate classification (germline): Pathogenic. Review status: criteria provided, single submitter (1 of 4 stars). 3 submissions from 3 submitters: Pathogenic (1). 2 of the submissions do not count toward it. Last evaluated 2020-12-27.

Conditions:
Fanconi anemia (FA). Also called: Fanconi's anemia. Identifiers: Orphanet 84, MedGen C0015625, MeSH D005199, MONDO:0019391.
Fanconi anemia complementation group A (FANCA). Also called: FANCA-Related Fanconi Anemia; Fanconi anemia, group A. Identifiers: Orphanet 84, MedGen C3469521, MONDO:0009215, OMIM 227650.

Submissions (3):

Labcorp Genetics (formerly Invitae), Labcorp
Classification: Pathogenic for Fanconi anemia. Last evaluated: 2020-12-27. Review status: criteria provided, single submitter. Criteria: Invitae Variant Classification Sherloc (09022015). Collection method: clinical testing. Allele origin: germline.
Comment: For these reasons, this variant has been classified as Pathogenic. Algorithms developed to predict the effect of sequence changes on RNA splicing suggest that this variant may disrupt the consensus splice site, but this prediction has not been confirmed by published transcriptional studies. This variant has been observed in individual(s) with Fanconi anemia (PMID: 12955722). In at least one individual the data is consistent with the variant being in trans (on the opposite chromosome) from a pathogenic variant. ClinVar contains an entry for this variant (Variation ID: 550259). This variant is not present in population databases (ExAC no frequency). This sequence change affects an acceptor splice site in intron 2 of the FANCA gene. It is expected to disrupt RNA splicing. Variants that disrupt the donor or acceptor splice site typically lead to a loss of protein function (PMID: 16199547), and loss-of-function variants in FANCA are known to be pathogenic (PMID: 19367192).

Leiden Open Variation Database
Classification: Pathogenic for Fanconi anemia complementation group A. Last evaluated: 2020-02-28. Review status: no assertion criteria provided. Collection method: curation. Allele origin: germline. Affected: yes. Not counted in ClinVar's aggregate classification.
Comment: Curator: Arleen D. Auerbach. Submitter to LOVD: Arleen D. Auerbach.

Counsyl
Classification: Likely pathogenic for Fanconi anemia complementation group A. Last evaluated: 2016-12-27. Review status: no assertion criteria provided. Collection method: clinical testing. Allele origin: unknown. Not counted in ClinVar's aggregate classification.

Literature cited by the submitters: PubMed 12955722 (cited by 3 submitters); PubMed 16199547 (cited by Labcorp Genetics (formerly Invitae), Labcorp); PubMed 19367192 (cited by Labcorp Genetics (formerly Invitae), Labcorp).